The following is an entry in ClinVar:

NM_001111125.3(IQSEC2):c.3931G>A (p.Ala1311Thr)

Gene: IQSEC2 (IQ motif and Sec7 domain ArfGEF 2; minus strand). Cytogenetic location: Xp11.22.
Variant type: single nucleotide variant.
Coding change: c.3931G>A on transcript NM_001111125.3 (MANE Select); coding-DNA position 3931, G replaced by A.
Protein change: p.Ala1311Thr; replaces alanine 1311 with threonine.
Molecular consequence: missense variant. On other transcripts: 3 prime UTR variant (2).
Genome position (GRCh38, 1-based): chrX:53,234,755, C>T on the plus strand (G>A on the coding strand, the complement: IQSEC2 is on the minus strand). VCF-style: chrX-53234755-C-T. GRCh37 (hg19) VCF-style: chrX-53263937-C-T.
Other names: c.*416G>A (NM_001410736.1, NM_015075.2); short protein forms A1311T.
Identifiers: ClinVar variation 2575025 (VCV002575025.1), dbSNP rs1556859124, ClinGen allele CA413140119.

ClinVar aggregate classification (germline): Uncertain significance (1 of 4 stars; one submission).

Allele frequency attached by ClinVar (database versions not stated): TOPMed 0.00001.
gnomAD v4.1: 4 of 884,718 alleles (0.00045%); highest among the groups gnomAD compares: Non-Finnish European, 0.00056%; no homozygotes.

Submission:

GeneDx
Classification: Uncertain significance. Last evaluated: 2023-02-03. Review status: criteria provided, single submitter. Criteria: GeneDx Variant Classification Process June 2021. Collection method: clinical testing. Allele origin: germline. Affected: yes.
Comment: Not observed at significant frequency in large population cohorts (gnomAD); In silico analysis supports that this missense variant does not alter protein structure/function; Has not been previously published as pathogenic or benign to our knowledge